The following is an entry in ClinVar:

NM_032409.3(PINK1):c.905G>A (p.Arg302His)

Genes: PINK1 (PTEN induced kinase 1; plus strand), PINK1-AS (PINK1 antisense RNA; minus strand). Cytogenetic location: 1p36.12.
Variant type: single nucleotide variant.
Coding change: c.905G>A on transcript NM_032409.3 (MANE Select); coding-DNA position 905, G replaced by A.
Protein change: p.Arg302His; replaces arginine 302 with histidine.
Molecular consequence: missense variant.
Genome position (GRCh38, 1-based): chr1:20,644,618, G>A. VCF-style: chr1-20644618-G-A. GRCh37 (hg19) VCF-style: chr1-20971111-G-A.
Other names: short protein forms R302H.
Identifiers: ClinVar variation 1307790 (VCV001307790.7), dbSNP rs201940147, ClinGen allele CA660574.

ClinVar aggregate classification (germline): Uncertain significance. Review status: criteria provided, multiple submitters, no conflicts (2 of 4 stars). 3 submissions from 3 submitters: Uncertain significance (3). Last evaluated 2023-10-13.

Conditions:
Autosomal recessive early-onset Parkinson disease 6 (PARK6). Also called: PINK1-Related Parkinson Disease; PARKINSON DISEASE 6, EARLY-ONSET; PINK1 Type of Young-Onset Parkinson Disease; PARKINSON DISEASE 6, MODIFIER OF. Identifiers: Orphanet 2828, MedGen C1853833, MONDO:0011613, OMIM 605909.

Allele frequency attached by ClinVar (database versions not stated): 1000 Genomes Project 0.00020; 1000 Genomes Project 30x 0.00031; gnomAD exomes 0.00001; ExAC 0.00003.
gnomAD v4.1: 30 of 1,614,164 alleles (0.0019%); highest among the groups gnomAD compares: Admixed American, 0.028%; no homozygotes.

Submissions (3):

Labcorp Genetics (formerly Invitae), Labcorp
Classification: Uncertain significance for Autosomal recessive early-onset Parkinson disease 6. Last evaluated: 2023-10-13. Review status: criteria provided, single submitter. Criteria: Invitae Variant Classification Sherloc (09022015). Collection method: clinical testing. Allele origin: germline.
Comment: This sequence change replaces arginine, which is basic and polar, with histidine, which is basic and polar, at codon 302 of the PINK1 protein (p.Arg302His). This variant is present in population databases (rs201940147, gnomAD 0.006%). This variant has not been reported in the literature in individuals affected with PINK1-related conditions. ClinVar contains an entry for this variant (Variation ID: 1307790). Advanced modeling of protein sequence and biophysical properties (such as structural, functional, and spatial information, amino acid conservation, physicochemical variation, residue mobility, and thermodynamic stability) performed at Invitae indicates that this missense variant is not expected to disrupt PINK1 protein function. In summary, the available evidence is currently insufficient to determine the role of this variant in disease. Therefore, it has been classified as a Variant of Uncertain Significance.

Laboratorio de Genetica e Diagnostico Molecular, Hospital Israelita Albert Einstein
Classification: Uncertain significance. Last evaluated: 2020-10-21. Review status: criteria provided, single submitter. Criteria: ACMG Guidelines, 2015. Collection method: clinical testing. Allele origin: germline. Affected: yes.
Comment: ACMG classification criteria: BP4

GeneDx
Classification: Uncertain significance. Last evaluated: 2019-08-12. Review status: criteria provided, single submitter. Criteria: GeneDx Variant Classification Process June 2021. Collection method: clinical testing. Allele origin: germline. Affected: yes.
Comment: Not observed at a significant frequency in large population cohorts (Lek et al., 2016); In silico analysis, which includes protein predictors and evolutionary conservation, supports a deleterious effect; Has not been previously published as pathogenic or benign to our knowledge